The following is an entry in ClinVar:

ClinVar aggregate classification (germline): Benign/Likely benign. Review status: criteria provided, multiple submitters, no conflicts (2 of 4 stars). 3 submissions from 3 submitters: Benign (1); Likely benign (2). Last evaluated 2025-10-07.

Conditions:
Hereditary North American Indian childhood cirrhosis. Identifiers: Orphanet 168583, MedGen C1858051, MONDO:0011497, OMIM 604901.

Allele frequency attached by ClinVar (database versions not stated): TOPMed 0.00161; 1000 Genomes Project 30x 0.00172; 1000 Genomes Project 0.00180; ESP Exome Variant Server 0.00223; gnomAD 0.00360 and 0.00376; ExAC 0.00406.
gnomAD v4.1: 6,045 of 1,614,126 alleles (0.37%); highest among the groups gnomAD compares: Non-Finnish European, 0.36%; 36 homozygotes.

Submissions (3):

Labcorp Genetics (formerly Invitae), Labcorp
Classification: Benign. Last evaluated: 2025-10-07. Review status: criteria provided, single submitter. Criteria: Invitae Variant Classification Sherloc (09022015). Collection method: clinical testing. Allele origin: germline.

Illumina Laboratory Services, Illumina
Classification: Likely benign for Hereditary North American Indian childhood cirrhosis. Last evaluated: 2018-01-13. Review status: criteria provided, single submitter. Criteria: ICSL Variant Classification Criteria 13 December 2019. Collection method: clinical testing. Allele origin: germline.
Comment: This variant was observed in the ICSL laboratory as part of a predisposition screen in an ostensibly healthy population. It had not been previously curated by ICSL or reported in the Human Gene Mutation Database (HGMD: prior to June 1st, 2018), and was therefore a candidate for classification through an automated scoring system. Utilizing variant allele frequency, disease prevalence and penetrance estimates, and inheritance mode, an automated score was calculated to assess if this variant is too frequent to cause the disease. Based on the score and internal cut-off values, a variant classified as likely benign is not then subjected to further curation. The score for this variant resulted in a classification of likely benign for this disease.

Breakthrough Genomics
Classification: Likely benign. Review status: criteria provided, single submitter. Criteria: ACMG Guidelines, 2015. Collection method: not provided. Allele origin: germline. Inheritance: Unknown mechanism. Affected: yes.

NM_032830.3(UTP4):c.615C>T (p.Ser205=)

Gene: UTP4 (UTP4 small subunit processome component). Cytogenetic location: 16q22.1.
Variant type: single nucleotide variant.
Coding change: c.615C>T on transcript NM_032830.3 (MANE Select); coding-DNA position 615, C replaced by T.
Protein change: p.Ser205=; no amino-acid change (serine 205 retained).
Molecular consequence: synonymous variant.
Genome position (GRCh38, 1-based): chr16:69,143,266, C>T. VCF-style: chr16-69143266-C-T. GRCh37 (hg19) VCF-style: chr16-69177169-C-T.
Other names: c.366C>T, p.Ser122= (NM_001318391.2).
Identifiers: ClinVar variation 887045 (VCV000887045.9), dbSNP rs144266389, ClinGen allele CA8132116.
Genomic context (GRCh38, chr16:69,143,266, plus strand): 5'-CAGGCAGTATATGGGCGTGTCTAAGCGGAAGTGCATCGTGTGGGGTGTCGCCTTCTTGTC[C>T]GATGGCACTATCATAAGTGTGGACTCTGCTGGGAAGGTGCAGTTCTGGGACTCAGCCACT-3'
Protein context (NP_116219.2, residues 195-215): KCIVWGVAFL[Ser205=]DGTIISVDSA